The following is an entry in ClinVar:

ClinVar aggregate classification (germline): Likely benign (1 of 4 stars; one submission).

gnomAD v4.1: 866 of 1,613,700 alleles (0.054%); highest among the groups gnomAD compares: South Asian, 0.85%; no homozygotes.

Submission:

CeGaT Center for Human Genetics Tuebingen
Classification: Likely benign. Last evaluated: 2024-09-01. Review status: criteria provided, single submitter. Criteria: CeGaT Center For Human Genetics Tuebingen Variant Classification Criteria Version 2. Collection method: clinical testing. Allele origin: germline. Affected: yes. Observed: 1 variant allele.
Comment: DUSP22: BP4, BP7

NM_001286555.3(DUSP22):c.384C>T (p.Asn128=)

Gene: DUSP22 (dual specificity phosphatase 22; plus strand). Cytogenetic location: 6p25.3.
Variant type: single nucleotide variant.
Coding change: c.384C>T on transcript NM_001286555.3 (MANE Select); coding-DNA position 384, C replaced by T.
Protein change: p.Asn128=; no amino-acid change (asparagine 128 retained).
Molecular consequence: synonymous variant. On other transcripts: non-coding transcript variant (3).
Genome position (GRCh38, 1-based): chr6:348,223, C>T. VCF-style: chr6-348223-C-T. GRCh37 (hg19) VCF-style: chr6-348223-C-T.
Other names: c.384C>T, p.Asn128= (NM_020185.6).
Identifiers: ClinVar variation 3388479 (VCV003388479.14).
Genomic context (GRCh38, chr6:348,223, plus strand): 5'-CTTTGGCTGGGAGGATGCCCTGCACACCGTGCGTGCTGGGAGATCCTGTGCCAACCCCAA[C>T]GTGGGCTTCCAGAGACAGCTCCAGGAGTTTGAGAAGCATGAGGTCCATCAGGTAAGCAGT-3'
Protein context (NP_001273484.1, residues 118-138): VRAGRSCANP[Asn128=]VGFQRQLQEF